The following is an entry in ClinVar:

NM_024081.6(PRRG4):c.97G>A (p.Glu33Lys)

Gene: PRRG4 (proline rich and Gla domain 4; plus strand). Cytogenetic location: 11p13.
Variant type: single nucleotide variant.
Coding change: c.97G>A on transcript NM_024081.6 (MANE Select); coding-DNA position 97, G replaced by A.
Protein change: p.Glu33Lys; replaces glutamic acid 33 with lysine.
Molecular consequence: missense variant.
Genome position (GRCh38, 1-based): chr11:32,830,626, G>A. VCF-style: chr11-32830626-G-A. GRCh37 (hg19) VCF-style: chr11-32852172-G-A.
Other names: short protein forms E33K.
Identifiers: ClinVar variation 3059407 (VCV003059407.2), dbSNP rs33962176, ClinGen allele CA5935826.

ClinVar aggregate classification (germline): Benign (0 of 4 stars; one submission).

Conditions:
PRRG4-related disorder. Also called: PRRG4-related condition.

Allele frequency attached by ClinVar (database versions not stated): 1000 Genomes Project 30x 0.07136; 1000 Genomes Project 0.07268; TOPMed 0.09490; ESP Exome Variant Server 0.10598; ExAC 0.10777; gnomAD exomes 0.12224.

Submission:

PreventionGenetics, part of Exact Sciences
Classification: Benign for PRRG4-related condition. Last evaluated: 2019-11-26. Review status: no assertion criteria provided. Collection method: clinical testing. Allele origin: germline.
Comment: This variant is classified as benign based on ACMG/AMP sequence variant interpretation guidelines (Richards et al. 2015 PMID: 25741868, with internal and published modifications).